The following is an entry in ClinVar:

ClinVar aggregate classification (germline): Uncertain significance (1 of 4 stars; one submission).

Submission:

Labcorp Genetics (formerly Invitae), Labcorp
Classification: Uncertain significance. Last evaluated: 2025-05-27. Review status: criteria provided, single submitter. Criteria: Invitae Variant Classification Sherloc (09022015). Collection method: clinical testing. Allele origin: germline.
Comment: This sequence change replaces alanine, which is neutral and non-polar, with valine, which is neutral and non-polar, at codon 24 of the YWHAG protein (p.Ala24Val). This variant is not present in population databases (gnomAD no frequency). This variant has not been reported in the literature in individuals affected with YWHAG-related conditions. ClinVar contains an entry for this variant (Variation ID: 3667868). Invitae Evidence Modeling of protein sequence and biophysical properties (such as structural, functional, and spatial information, amino acid conservation, physicochemical variation, residue mobility, and thermodynamic stability) indicates that this missense variant is not expected to disrupt YWHAG protein function with a negative predictive value of 80%. In summary, the available evidence is currently insufficient to determine the role of this variant in disease. Therefore, it has been classified as a Variant of Uncertain Significance.

NM_012479.4(YWHAG):c.71C>T (p.Ala24Val)

Gene: YWHAG (tyrosine 3-monooxygenase/tryptophan 5-monooxygenase activation protein gamma; minus strand). Cytogenetic location: 7q11.23.
Variant type: single nucleotide variant.
Coding change: c.71C>T on transcript NM_012479.4 (MANE Select); coding-DNA position 71, C replaced by T.
Protein change: p.Ala24Val; replaces alanine 24 with valine.
Molecular consequence: missense variant.
Genome position (GRCh38, 1-based): chr7:76,358,738, G>A on the plus strand (C>T on the coding strand, the complement: YWHAG is on the minus strand). VCF-style: chr7-76358738-G-A. GRCh37 (hg19) VCF-style: chr7-75988055-G-A.
Other names: short protein forms A24V.
Identifiers: ClinVar variation 3667868 (VCV003667868.2).